The following is an entry in ClinVar:

NM_006343.3(MERTK):c.1784A>T (p.Glu595Val)

Gene: MERTK (MER proto-oncogene, tyrosine kinase; plus strand). Cytogenetic location: 2q13.
Variant type: single nucleotide variant.
Coding change: c.1784A>T on transcript NM_006343.3 (MANE Select); coding-DNA position 1784, A replaced by T.
Protein change: p.Glu595Val; replaces glutamic acid 595 with valine.
Molecular consequence: missense variant.
Genome position (GRCh38, 1-based): chr2:112,003,185, A>T. VCF-style: chr2-112003185-A-T. GRCh37 (hg19) VCF-style: chr2-112760762-A-T.
Other names: short protein forms E595V.
Identifiers: ClinVar variation 1041063 (VCV001041063.8), dbSNP rs1676906017, ClinGen allele CA348232755.

ClinVar aggregate classification (germline): Uncertain significance (1 of 4 stars; one submission).

Submission:

Labcorp Genetics (formerly Invitae), Labcorp
Classification: Uncertain significance. Last evaluated: 2020-06-06. Review status: criteria provided, single submitter. Criteria: Invitae Variant Classification Sherloc (09022015). Collection method: clinical testing. Allele origin: germline.
Comment: Algorithms developed to predict the effect of missense changes on protein structure and function are either unavailable or do not agree on the potential impact of this missense change (SIFT: "Deleterious"; PolyPhen-2: "Probably Damaging"; Align-GVGD: "Class C0"). This variant has not been reported in the literature in individuals with MERTK-related conditions. This variant is not present in population databases (ExAC no frequency). This sequence change replaces glutamic acid with valine at codon 595 of the MERTK protein (p.Glu595Val). The glutamic acid residue is highly conserved and there is a moderate physicochemical difference between glutamic acid and valine. Algorithms developed to predict the effect of sequence changes on RNA splicing suggest that this variant may create or strengthen a splice site, but this prediction has not been confirmed by published transcriptional studies. In summary, the available evidence is currently insufficient to determine the role of this variant in disease. Therefore, it has been classified as a Variant of Uncertain Significance.